The following is an entry in ClinVar:

ClinVar aggregate classification (germline): Uncertain significance. Review status: criteria provided, multiple submitters, no conflicts (2 of 4 stars). 2 submissions from 2 submitters: Uncertain significance (2). Last evaluated 2025-10-21.

Conditions:
Inborn genetic diseases. Identifiers: MedGen C0950123, MeSH D030342.

Allele frequency attached by ClinVar (database versions not stated): ESP Exome Variant Server 0.00008.
gnomAD v4.1: 4 of 1,609,540 alleles (0.00025%); highest among the groups gnomAD compares: Non-Finnish European, 0.00034%; no homozygotes.

Submissions (2):

Ambry Genetics
Classification: Uncertain significance for Inborn genetic diseases. Last evaluated: 2025-10-21. Review status: criteria provided, single submitter. Criteria: Ambry Variant Classification Scheme 2023. Collection method: clinical testing. Allele origin: germline.

Labcorp Genetics (formerly Invitae), Labcorp
Classification: Uncertain significance. Last evaluated: 2019-10-24. Review status: criteria provided, single submitter. Criteria: Invitae Variant Classification Sherloc (09022015). Collection method: clinical testing. Allele origin: germline.
Comment: In summary, the available evidence is currently insufficient to determine the role of this variant in disease. Therefore, it has been classified as a Variant of Uncertain Significance. Algorithms developed to predict the effect of missense changes on protein structure and function (SIFT, PolyPhen-2, Align-GVGD) all suggest that this variant is likely to be disruptive, but these predictions have not been confirmed by published functional studies and their clinical significance is uncertain. This variant has not been reported in the literature in individuals with LRIT3-related conditions. This variant is not present in population databases (ExAC no frequency). This sequence change replaces alanine with proline at codon 323 of the LRIT3 protein (p.Ala323Pro). The alanine residue is highly conserved and there is a small physicochemical difference between alanine and proline.

NM_198506.5(LRIT3):c.967G>C (p.Ala323Pro)

Gene: LRIT3 (leucine rich repeat, Ig-like and transmembrane domains 3; plus strand). Cytogenetic location: 4q25.
Variant type: single nucleotide variant.
Coding change: c.967G>C on transcript NM_198506.5 (MANE Select); coding-DNA position 967, G replaced by C.
Protein change: p.Ala323Pro; replaces alanine 323 with proline.
Molecular consequence: missense variant.
Genome position (GRCh38, 1-based): chr4:109,869,716, G>C. VCF-style: chr4-109869716-G-C. GRCh37 (hg19) VCF-style: chr4-110790872-G-C.
Other names: c.832G>C (NM_198506.2); short protein forms A323P.
Identifiers: ClinVar variation 961859 (VCV000961859.7), dbSNP rs373408851, ClinGen allele CA103711991.